The following is an entry in ClinVar:

NM_001271.4(CHD2):c.3455+186A>G

Gene: CHD2 (chromodomain helicase DNA binding protein 2; plus strand). Cytogenetic location: 15q26.1.
Variant type: single nucleotide variant.
Coding change: c.3455+186A>G on transcript NM_001271.4 (MANE Select); 186 bases into the intron after coding-DNA position 3455, A replaced by G.
Molecular consequence: intron variant.
Genome position (GRCh38, 1-based): chr15:92,991,703, A>G. VCF-style: chr15-92991703-A-G. GRCh37 (hg19) VCF-style: chr15-93534933-A-G.
Identifiers: ClinVar variation 678929 (VCV000678929.3), dbSNP rs3826035, ClinGen allele CA14174338.
Genomic context (GRCh38, chr15:92,991,703, plus strand): 5'-TTTACAAACATTTATATATTGGGTGCCTGTTCATTCATGTCTCTCTGCAGAGGGATGACA[A>G]AGATGATAAAGACAGGCCATCCATAAAAAGACTTTCACCTTCGTGAGGGAGATAAAGCAA-3'

ClinVar aggregate classification (germline): Benign. Review status: criteria provided, multiple submitters, no conflicts (2 of 4 stars). 2 submissions from 2 submitters: Benign (2). Last evaluated 2024-07-15.

Allele frequency attached by ClinVar (database versions not stated): gnomAD 0.41113 and 0.42577; TOPMed 0.41132; 1000 Genomes Project 30x 0.49532; 1000 Genomes Project 0.50759; gnomAD exomes 0.51122.
gnomAD v4.1: 217,576 of 451,938 alleles (48%); highest among the groups gnomAD compares: East Asian, 82%; 56,733 homozygotes.

Submissions (2):

Unidad de Genómica Garrahan, Hospital de Pediatría Garrahan
Classification: Benign. Last evaluated: 2024-07-15. Review status: criteria provided, single submitter. Criteria: ACMG Guidelines, 2015. Collection method: clinical testing. Allele origin: germline. Affected: no. Observed: 61 variant alleles.
Comment: This variant is classified as Benign based on local population frequency. This variant was detected in 66% of patients studied in a panel designed for Epileptic and Developmental Encephalopathy and Progressive Myoclonus Epilepsy. Number of patients: 61. Only high quality variants are reported.

GeneDx
Classification: Benign. Last evaluated: 2018-06-14. Review status: criteria provided, single submitter. Criteria: GeneDx Variant Classification (06012015). Collection method: clinical testing. Allele origin: germline. Affected: yes.
Comment: This variant is considered likely benign or benign based on one or more of the following criteria: it is a conservative change, it occurs at a poorly conserved position in the protein, it is predicted to be benign by multiple in silico algorithms, and/or has population frequency not consistent with disease.